The following is an entry in ClinVar:

NM_177438.3(DICER1):c.3813dup (p.Lys1272fs)

Gene: DICER1 (dicer 1, ribonuclease III; minus strand). Cytogenetic location: 14q32.13.
Variant type: Duplication.
Coding change: c.3813dup on transcript NM_177438.3 (MANE Select); coding-DNA position 3813, one base duplicated (C; older notation c.3813dupC).
Protein change: p.Lys1272fs; shifts the reading frame from lysine 1272.
Molecular consequence: frameshift variant.
Genome position (GRCh38, 1-based): chr14:95,103,583, G duplicated on the plus strand (C on the coding strand, the reverse complement: DICER1 is on the minus strand). VCF-style (leftmost placement, unchanged base first): chr14-95103582-T-TG. GRCh37 (hg19) VCF-style: chr14-95569919-T-TG.
Other names: c.3813dup, p.Lys1272fs (NM_001195573.1, NM_001271282.3, NM_001291628.2 and 1 more transcripts); short protein forms K1272fs.
Identifiers: ClinVar variation 1407484 (VCV001407484.7), dbSNP rs2139958739, ClinGen allele CA2573150337.
Genomic context (GRCh38, chr14:95,103,582, plus strand): 5'-GGCCAAGAGTCCTTGAGGAGTACCCAATAGAAGGGCTCTGCTCAGAATCCATCCTGCCCT[T>TG]GAGCACTTGAATAGTGTCTGTCGTACCAGGCATTACGGCCATCACAGGACTTCCATCTGA-3'

ClinVar aggregate classification (germline): Pathogenic (1 of 4 stars; one submission).

Conditions:
DICER1-related tumor predisposition. Also called: DICER1 syndrome; DICER1-related pleuropulmonary blastoma cancer predisposition syndrome. Identifiers: Orphanet 284343, MedGen C3839822, MONDO:0100216.

Submission:

Labcorp Genetics (formerly Invitae), Labcorp
Classification: Pathogenic for DICER1-related tumor predisposition. Last evaluated: 2021-03-27. Review status: criteria provided, single submitter. Criteria: Invitae Variant Classification Sherloc (09022015). Collection method: clinical testing. Allele origin: germline.
Comment: For these reasons, this variant has been classified as Pathogenic. This variant has not been reported in the literature in individuals with DICER1-related conditions. This variant is not present in population databases (ExAC no frequency). This sequence change creates a premature translational stop signal (p.Lys1272Glnfs*7) in the DICER1 gene. It is expected to result in an absent or disrupted protein product. Loss-of-function variants in DICER1 are known to be pathogenic (PMID: 19556464, 21266384).

Literature cited by the submitters: PubMed 19556464; PubMed 21266384.